The following is an entry in ClinVar:

NM_000402.4(G6PD):c.896G>A (p.Cys299Tyr)

Gene: G6PD (glucose-6-phosphate dehydrogenase; minus strand). Cytogenetic location: Xq28.
Variant type: single nucleotide variant.
Coding change: c.896G>A on transcript NM_000402.4; coding-DNA position 896, G replaced by A.
Protein change: p.Cys299Tyr; replaces cysteine 299 with tyrosine.
Molecular consequence: missense variant.
Genome position (GRCh38, 1-based): chrX:154,533,634, C>T on the plus strand (G>A on the coding strand, the complement: G6PD is on the minus strand). VCF-style: chrX-154533634-C-T. GRCh37 (hg19) VCF-style: chrX-153761849-C-T.
Other names: G6PD, CYS269TYR; G6PD Aviero; c.806G>A, p.Cys269Tyr (NM_001042351.3, NM_001360016.2); short protein forms C269Y, C299Y.
Identifiers: ClinVar variation 10412 (VCV000010412.12), dbSNP rs137852346, ClinGen allele CA121045.
Genomic context (GRCh38, chrX:154,533,634, plus strand): 5'-ACCTTCTCATCACGGACGTCATCTGAGTTGGTGGAGGCGGGCTTCTCCATGGCCACCAGA[C>T]ACAGCATCTGCAGTAGGTGGTTCTGCATCACGTCCCTGGGGACGGAAGAGGCCAGAGCTC-3'

ClinVar aggregate classification (germline): Likely pathogenic. Review status: criteria provided, multiple submitters, no conflicts (2 of 4 stars). 4 submissions from 3 submitters: Likely pathogenic (2). 2 of the submissions do not count toward it. Last evaluated 2022-08-12.

Conditions:
G6PD AVEIRO.
Anemia, nonspherocytic hemolytic, due to G6PD deficiency (CNSHA1). Also called: Class I glucose-6-phosphate dehydrogenase deficiency; Favism, susceptibility to; ANEMIA, CONGENITAL, NONSPHEROCYTIC HEMOLYTIC, 1; Hemolytic anemia due to G6PD deficiency. Identifiers: Orphanet 466026, MedGen C2720289, MONDO:0010480, OMIM 300908.

Submissions (4):

Dunham Lab, University of Washington
Classification: Likely pathogenic for Anemia, nonspherocytic hemolytic, due to G6PD deficiency. Last evaluated: 2022-08-12. Review status: criteria provided, single submitter. Criteria: Bayesian ACMG Guidelines, 2018. Collection method: curation. Allele origin: de novo. Affected: yes.
Comment: Undetectable activity in red blood cells and granulocytes (PS3). Not found in gnomAD (PM2). Post_P 0.988 (odds of pathogenicity 729.3, Prior_P 0.1).

Labcorp Genetics (formerly Invitae), Labcorp
Classification: Likely pathogenic for Anemia, nonspherocytic hemolytic, due to G6PD deficiency. Last evaluated: 2021-03-20. Review status: criteria provided, single submitter. Criteria: Invitae Variant Classification Sherloc (09022015). Collection method: clinical testing. Allele origin: germline.
Comment: In summary, the currently available evidence indicates that the variant is pathogenic, but additional data are needed to prove that conclusively. Therefore, this variant has been classified as Likely Pathogenic. Advanced modeling of protein sequence and biophysical properties (such as structural, functional, and spatial information, amino acid conservation, physicochemical variation, residue mobility, and thermodynamic stability) performed at Invitae indicates that this missense variant is expected to disrupt G6PD protein function. This variant has been observed in individual(s) with G6PD deficiency (PMID: 10666231). ClinVar contains an entry for this variant (Variation ID: 10412). This variant is not present in population databases (ExAC no frequency). This sequence change replaces cysteine with tyrosine at codon 269 of the G6PD protein (p.Cys269Tyr). The cysteine residue is moderately conserved and there is a large physicochemical difference between cysteine and tyrosine.

OMIM
Classification: other for G6PD AVEIRO. Last evaluated: 2000-02-15. Review status: no assertion criteria provided. Collection method: literature only. Allele origin: germline. Not counted in ClinVar's aggregate classification.

OMIM
Classification: Pathogenic for ANEMIA, CONGENITAL, NONSPHEROCYTIC HEMOLYTIC, 1. Last evaluated: 2000-02-15. Review status: no assertion criteria provided. Collection method: literature only. Allele origin: germline. Not counted in ClinVar's aggregate classification.

Literature cited by the submitters: PubMed 10666231 (cited by 3 submitters).